The following is an entry in ClinVar:

ClinVar aggregate classification (germline): Uncertain significance. Review status: criteria provided, multiple submitters, no conflicts (2 of 4 stars). 2 submissions from 2 submitters: Uncertain significance (2). Last evaluated 2020-05-27.

Conditions:
Arrhythmogenic right ventricular dysplasia 8 (ARVD8). Also called: ARRHYTHMOGENIC RIGHT VENTRICULAR DYSPLASIA, FAMILIAL, 8; ARRHYTHMOGENIC RIGHT VENTRICULAR CARDIOMYOPATHY 8; Arrhythmogenic Right Ventricular Dysplasia/Cardiomyopathy 8. Identifiers: MedGen C1843896, MONDO:0011831, OMIM 607450.
Arrhythmogenic cardiomyopathy with wooly hair and keratoderma. Also called: Dilated cardiomyopathy with woolly hair and keratoderma; Arrhythmogenic cardiomyopathy with woolly hair and keratoderma; Carvajal syndrome; PALMOPLANTAR KERATODERMA WITH LEFT VENTRICULAR CARDIOMYOPATHY AND WOOLLY HAIR. Identifiers: Orphanet 65282, MedGen C1854063, MONDO:0011581, OMIM 605676.

Allele frequency attached by ClinVar (database versions not stated): TOPMed below 0.00001; ExAC 0.00001; gnomAD 0.00001.
gnomAD v4.1: 8 of 1,613,932 alleles (0.0005%); highest among the groups gnomAD compares: Non-Finnish European, 0.00068%; no homozygotes.

Submissions (2):

Labcorp Genetics (formerly Invitae), Labcorp
Classification: Uncertain significance for Arrhythmogenic cardiomyopathy with wooly hair and keratoderma; Arrhythmogenic right ventricular dysplasia 8. Last evaluated: 2020-05-27. Review status: criteria provided, single submitter. Criteria: Invitae Variant Classification Sherloc (09022015). Collection method: clinical testing. Allele origin: germline.
Comment: In summary, the available evidence is currently insufficient to determine the role of this variant in disease. Therefore, it has been classified as a Variant of Uncertain Significance. Algorithms developed to predict the effect of missense changes on protein structure and function (SIFT, PolyPhen-2, Align-GVGD) all suggest that this variant is likely to be disruptive, but these predictions have not been confirmed by published functional studies and their clinical significance is uncertain. This variant has not been reported in the literature in individuals with DSP-related conditions. This variant is present in population databases (rs763549172, ExAC 0.001%). This sequence change replaces tyrosine with aspartic acid at codon 2183 of the DSP protein (p.Tyr2183Asp). The tyrosine residue is highly conserved and there is a large physicochemical difference between tyrosine and aspartic acid.

Blueprint Genetics
Classification: Uncertain significance. Last evaluated: 2019-12-17. Review status: criteria provided, single submitter. Criteria: ACMG Guidelines, 2015. Collection method: clinical testing. Allele origin: germline.

NM_004415.4(DSP):c.6547T>G (p.Tyr2183Asp)

Gene: DSP (desmoplakin; plus strand). Cytogenetic location: 6p24.3.
Variant type: single nucleotide variant.
Coding change: c.6547T>G on transcript NM_004415.4 (MANE Select); coding-DNA position 6547, T replaced by G.
Protein change: p.Tyr2183Asp; replaces tyrosine 2183 with aspartic acid.
Molecular consequence: missense variant.
Genome position (GRCh38, 1-based): chr6:7,583,809, T>G. VCF-style: chr6-7583809-T-G. GRCh37 (hg19) VCF-style: chr6-7584042-T-G.
Other names: c.4750T>G, p.Tyr1584Asp (NM_001008844.3); c.5218T>G, p.Tyr1740Asp (NM_001319034.2); short protein forms Y1584D, Y1740D, Y2183D.
Identifiers: ClinVar variation 1016922 (VCV001016922.10), dbSNP rs763549172, ClinGen allele CA047961.